The following is an entry in ClinVar:

NM_020686.6(ABAT):c.541-10A>G

Gene: ABAT (4-aminobutyrate aminotransferase; plus strand). Cytogenetic location: 16p13.2.
Variant type: single nucleotide variant.
Coding change: c.541-10A>G on transcript NM_020686.6 (MANE Select); 10 bases into the intron before coding-DNA position 541, A replaced by G.
Molecular consequence: intron variant.
Genome position (GRCh38, 1-based): chr16:8,766,198, A>G. VCF-style: chr16-8766198-A-G. GRCh37 (hg19) VCF-style: chr16-8860055-A-G.
Other names: c.541-10A>G (NM_001386602.1, NM_001386609.1, NM_001386605.1 and 7 more transcripts); c.637-10A>G (NM_001386615.1); c.540+1368A>G (NM_001386607.1, NM_001386606.1); c.448-10A>G (NM_001386608.1); c.406-10A>G (NM_001386610.1, NM_001386611.1); c.295-10A>G (NM_001386614.1); c.405+1368A>G (NM_001386612.1, NM_001386613.1).
Identifiers: ClinVar variation 1616239 (VCV001616239.10), dbSNP rs771274045, ClinGen allele CA7893194.

ClinVar aggregate classification (germline): Likely benign. Review status: criteria provided, multiple submitters, no conflicts (2 of 4 stars). 3 submissions from 3 submitters: Likely benign (3). Last evaluated 2024-04-15.

Conditions:
Gamma-aminobutyric acid transaminase deficiency (GABATD). Also called: GABA aminotransaminase deficiency; GABA transaminase deficiency; Gamma aminobutyrate transaminase deficiency; 4 alpha aminobutyrate transaminase deficiency. Identifiers: Orphanet 2066, MedGen C0342708, MONDO:0013166, OMIM 613163.

Allele frequency attached by ClinVar (database versions not stated): gnomAD 0.00001; ExAC 0.00006.
gnomAD v4.1: 33 of 1,613,664 alleles (0.002%); highest among the groups gnomAD compares: South Asian, 0.022%; no homozygotes.

Submissions (3):

Labcorp Genetics (formerly Invitae), Labcorp
Classification: Likely benign for Gamma-aminobutyric acid transaminase deficiency. Last evaluated: 2024-04-15. Review status: criteria provided, single submitter. Criteria: Invitae Variant Classification Sherloc (09022015). Collection method: clinical testing. Allele origin: germline.

Blueprint Genetics
Classification: Likely benign. Last evaluated: 2024-02-16. Review status: criteria provided, single submitter. Criteria: ACMG Guidelines, 2015. Collection method: clinical testing. Allele origin: germline.

Women's Health and Genetics/Laboratory Corporation of America, LabCorp
Classification: Likely benign. Last evaluated: 2023-10-27. Review status: criteria provided, single submitter. Criteria: LabCorp Variant Classification Summary - May 2015. Collection method: clinical testing. Allele origin: germline.
Comment: Variant summary: ABAT c.541-10A>G alters a non-conserved nucleotide located at a position not widely known to affect splicing. Consensus agreement among computation tools predict no significant impact on normal splicing. However, these predictions have yet to be confirmed by functional studies. The variant allele was found at a frequency of 5.6e-05 in 251314 control chromosomes. This frequency does not allow for any conclusion about variant significance. To our knowledge, no occurrence of c.541-10A>G in individuals affected with Gamma-Aminobutyric Acid Transaminase Deficiency and no experimental evidence demonstrating its impact on protein function have been reported. One submitter has cited clinical-significance assessments for this variant to ClinVar after 2014 and has classified the variant as likely benign. Based on the evidence outlined above, the variant was classified as likely benign.